The following is an entry in ClinVar:

NM_018180.3(DHX32):c.1270G>T (p.Ala424Ser)

Genes: BCCIP (BRCA2 and CDKN1A interacting protein; plus strand), DHX32 (DEAH-box helicase 32 (putative); minus strand). Cytogenetic location: 10q26.2.
Variant type: single nucleotide variant.
Coding change: c.1270G>T on transcript NM_018180.3 (MANE Select); coding-DNA position 1270, G replaced by T.
Protein change: p.Ala424Ser; replaces alanine 424 with serine.
Molecular consequence: missense variant. On other transcripts: intron variant (1).
Genome position (GRCh38, 1-based): chr10:125,852,374, C>A on the plus strand (G>T on the coding strand, the complement: DHX32 is on the minus strand). VCF-style: chr10-125852374-C-A. GRCh37 (hg19) VCF-style: chr10-127540943-C-A.
Other names: c.851-751C>A (NM_016567.4); short protein forms A424S.
Identifiers: ClinVar variation 1927436 (VCV001927436.4), dbSNP rs1246996311, ClinGen allele CA378675261.

ClinVar aggregate classification (germline): Uncertain significance (1 of 4 stars; one submission).

Allele frequency attached by ClinVar (database versions not stated): TOPMed below 0.00001; gnomAD exomes below 0.00001.
gnomAD v4.1: 1 of 1,614,212 alleles (0.000062%); highest among the groups gnomAD compares: Admixed American, 0.0017%; no homozygotes.

Submission:

Labcorp Genetics (formerly Invitae), Labcorp
Classification: Uncertain significance. Last evaluated: 2024-10-25. Review status: criteria provided, single submitter. Criteria: Invitae Variant Classification Sherloc (09022015). Collection method: clinical testing. Allele origin: germline.
Comment: This sequence change replaces alanine, which is neutral and non-polar, with serine, which is neutral and polar, at codon 424 of the DHX32 protein (p.Ala424Ser). This variant is present in population databases (no rsID available, gnomAD 0.003%). This variant has not been reported in the literature in individuals affected with DHX32-related conditions. ClinVar contains an entry for this variant (Variation ID: 1927436). An algorithm developed to predict the effect of missense changes on protein structure and function (PolyPhen-2) suggests that this variant is likely to be tolerated. In summary, the available evidence is currently insufficient to determine the role of this variant in disease. Therefore, it has been classified as a Variant of Uncertain Significance.